The following is an entry in ClinVar:

NM_001457.4(FLNB):c.5349G>A (p.Thr1783=)

Gene: FLNB (filamin B; plus strand). Cytogenetic location: 3p14.3.
Variant type: single nucleotide variant.
Coding change: c.5349G>A on transcript NM_001457.4 (MANE Select); coding-DNA position 5349, G replaced by A.
Protein change: p.Thr1783=; no amino-acid change (threonine 1783 retained).
Molecular consequence: synonymous variant.
Genome position (GRCh38, 1-based): chr3:58,143,537, G>A. VCF-style: chr3-58143537-G-A. GRCh37 (hg19) VCF-style: chr3-58129264-G-A.
Other names: c.5442G>A, p.Thr1814= (NM_001164317.2); c.5316G>A, p.Thr1772= (NM_001164318.2); c.5277G>A, p.Thr1759= (NM_001164319.2).
Identifiers: ClinVar variation 2193833 (VCV002193833.12), dbSNP rs746613154, ClinGen allele CA2469040.

ClinVar aggregate classification (germline): Likely benign. Review status: criteria provided, multiple submitters, no conflicts (2 of 4 stars). 2 submissions from 2 submitters: Likely benign (2). Last evaluated 2025-07-01.

Allele frequency attached by ClinVar (database versions not stated): ExAC 0.00002; gnomAD exomes 0.00002; TOPMed 0.00002.

Submissions (2):

CeGaT Center for Human Genetics Tuebingen
Classification: Likely benign. Last evaluated: 2025-07-01. Review status: criteria provided, single submitter. Criteria: CeGaT Center For Human Genetics Tuebingen Variant Classification Criteria Version 2. Collection method: clinical testing. Allele origin: germline. Affected: yes. Observed: 1 variant allele.
Comment: FLNB: BP4, BP7

Labcorp Genetics (formerly Invitae), Labcorp
Classification: Likely benign. Last evaluated: 2025-06-19. Review status: criteria provided, single submitter. Criteria: Invitae Variant Classification Sherloc (09022015). Collection method: clinical testing. Allele origin: germline.